The following is an entry in ClinVar:

ClinVar aggregate classification (germline): Pathogenic (1 of 4 stars; one submission).

Submission:

Labcorp Genetics (formerly Invitae), Labcorp
Classification: Pathogenic. Last evaluated: 2025-07-08. Review status: criteria provided, single submitter. Criteria: Invitae Variant Classification Sherloc (09022015). Collection method: clinical testing. Allele origin: germline.
Comment: This sequence change replaces serine, which is neutral and polar, with phenylalanine, which is neutral and non-polar, at codon 1689 of the ABCA4 protein (p.Ser1689Phe). This variant is not present in population databases (gnomAD no frequency). This missense change has been observed in individual(s) with Stargardt disease (internal data). Invitae Evidence Modeling of protein sequence and biophysical properties (such as structural, functional, and spatial information, amino acid conservation, physicochemical variation, residue mobility, and thermodynamic stability) indicates that this missense variant is expected to disrupt ABCA4 protein function with a positive predictive value of 80%. This variant disrupts the p.Ser1689 amino acid residue in ABCA4. Other variant(s) that disrupt this residue have been determined to be pathogenic (PMID: 10958763, 28559085; internal data). This suggests that this residue is clinically significant, and that variants that disrupt this residue are likely to be disease-causing. For these reasons, this variant has been classified as Pathogenic.

Literature cited by the submitters: PubMed 10958763; PubMed 28559085.

NM_000350.3(ABCA4):c.5066C>T (p.Ser1689Phe)

Gene: ABCA4 (ATP binding cassette subfamily A member 4; minus strand). Cytogenetic location: 1p22.1.
Variant type: single nucleotide variant.
Coding change: c.5066C>T on transcript NM_000350.3 (MANE Select); coding-DNA position 5066, C replaced by T.
Protein change: p.Ser1689Phe; replaces serine 1689 with phenylalanine.
Molecular consequence: missense variant.
Genome position (GRCh38, 1-based): chr1:94,019,712, G>A on the plus strand (C>T on the coding strand, the complement: ABCA4 is on the minus strand). VCF-style: chr1-94019712-G-A. GRCh37 (hg19) VCF-style: chr1-94485268-G-A.
Other names: c.4844C>T, p.Ser1615Phe (NM_001425324.1); short protein forms S1615F, S1689F.
Identifiers: ClinVar variation 4745898 (VCV004745898.1).